The following is an entry in ClinVar:

ClinVar aggregate classification (germline): Uncertain significance (1 of 4 stars; one submission).

Conditions:
NCOA1-related disorder. Also called: NCOA1-related condition.

gnomAD v4.1: 21 of 1,614,036 alleles (0.0013%); highest among the groups gnomAD compares: South Asian, 0.0066%; no homozygotes.

Submission:

PreventionGenetics, part of Exact Sciences
Classification: Uncertain significance for NCOA1-related condition. Last evaluated: 2026-09-24. Review status: criteria provided, single submitter. Criteria: ACMG Guidelines, 2015. Collection method: clinical testing. Allele origin: germline.
Comment: The NCOA1 c.1426A>G variant is predicted to result in the amino acid substitution p.Met476Val. To our knowledge, this variant has not been reported in the literature. This variant is reported in 0.0098% of alleles in individuals of South Asian descent in gnomAD. At this time, the clinical significance of this variant is uncertain due to the absence of conclusive functional and genetic evidence.

NM_003743.5(NCOA1):c.1426A>G (p.Met476Val)

Gene: NCOA1 (nuclear receptor coactivator 1; plus strand). Cytogenetic location: 2p23.3.
Variant type: single nucleotide variant.
Coding change: c.1426A>G on transcript NM_003743.5 (MANE Select); coding-DNA position 1426, A replaced by G.
Protein change: p.Met476Val; replaces methionine 476 with valine.
Molecular consequence: missense variant.
Genome position (GRCh38, 1-based): chr2:24,706,896, A>G. VCF-style: chr2-24706896-A-G. GRCh37 (hg19) VCF-style: chr2-24929765-A-G.
Other names: c.1426A>G, p.Met476Val (NM_001362950.1, NM_001362952.1, NM_001362954.1 and 3 more transcripts); short protein forms M476V.
Identifiers: ClinVar variation 4986456 (VCV004986456.1).